The following is an entry in ClinVar:

NM_006088.6(TUBB4B):c.243C>T (p.Phe81=)

Gene: TUBB4B (tubulin beta 4B class IVb; plus strand). Cytogenetic location: 9q34.3.
Variant type: single nucleotide variant.
Coding change: c.243C>T on transcript NM_006088.6 (MANE Select); coding-DNA position 243, C replaced by T.
Protein change: p.Phe81=; no amino-acid change (phenylalanine 81 retained).
Molecular consequence: synonymous variant.
Genome position (GRCh38, 1-based): chr9:137,241,987, C>T. VCF-style: chr9-137241987-C-T. GRCh37 (hg19) VCF-style: chr9-140136439-C-T.
Other names: c.243C>T (NM_006088.5).
Identifiers: ClinVar variation 1608062 (VCV001608062.34), dbSNP rs139337044, ClinGen allele CA5365253.
Genomic context (GRCh38, chr9:137,241,987, plus strand): 5'-CCGCGCCGTGCTCGTGGATCTGGAGCCCGGCACCATGGACTCCGTGCGCTCGGGGCCCTT[C>T]GGGCAGATCTTCCGGCCGGACAACTTCGTTTTCGGTGAGCCGTGGCTGGGGACTGGGCGG-3'
Protein context (NP_006079.1, residues 71-91): GTMDSVRSGP[Phe81=]GQIFRPDNFV

ClinVar aggregate classification (germline): Benign/Likely benign. Review status: criteria provided, multiple submitters, no conflicts (2 of 4 stars). 4 submissions from 4 submitters: Benign (1); Likely benign (2). 1 of the submissions does not count toward it. Last evaluated 2026-02-01.

Conditions:
TUBB4B-related disorder. Also called: TUBB4B-related condition.

Allele frequency attached by ClinVar (database versions not stated): 1000 Genomes Project 30x 0.00094; 1000 Genomes Project 0.00100; gnomAD exomes 0.00201 and 0.00344; ExAC 0.00211; gnomAD 0.00215 and 0.00222; TOPMed 0.00238; ESP Exome Variant Server 0.00286.

Submissions (4):

Labcorp Genetics (formerly Invitae), Labcorp
Classification: Benign. Last evaluated: 2026-02-01. Review status: criteria provided, single submitter. Criteria: Invitae Variant Classification Sherloc (09022015). Collection method: clinical testing. Allele origin: germline.

CeGaT Center for Human Genetics Tuebingen
Classification: Likely benign. Last evaluated: 2026-01-01. Review status: criteria provided, single submitter. Criteria: CeGaT Center For Human Genetics Tuebingen Variant Classification Criteria Version 2. Collection method: clinical testing. Allele origin: germline. Affected: yes. Observed: 2 variant alleles.
Comment: TUBB4B: BP4, BP7, BS2

Blueprint Genetics
Classification: Likely benign. Last evaluated: 2024-11-27. Review status: criteria provided, single submitter. Criteria: ACMG Guidelines, 2015. Collection method: clinical testing. Allele origin: germline.

PreventionGenetics, part of Exact Sciences
Classification: Likely benign for TUBB4B-related condition. Last evaluated: 2019-07-06. Review status: no assertion criteria provided. Collection method: clinical testing. Allele origin: germline. Not counted in ClinVar's aggregate classification.
Comment: This variant is classified as likely benign based on ACMG/AMP sequence variant interpretation guidelines (Richards et al. 2015 PMID: 25741868, with internal and published modifications).